The following is an entry in ClinVar:

NM_000374.5(UROD):c.166T>A (p.Phe56Ile)

Gene: UROD (uroporphyrinogen decarboxylase; plus strand). Cytogenetic location: 1p34.1.
Variant type: single nucleotide variant.
Coding change: c.166T>A on transcript NM_000374.5 (MANE Select); coding-DNA position 166, T replaced by A.
Protein change: p.Phe56Ile; replaces phenylalanine 56 with isoleucine.
Molecular consequence: missense variant. On other transcripts: non-coding transcript variant (3).
Genome position (GRCh38, 1-based): chr1:45,013,168, T>A. VCF-style: chr1-45013168-T-A. GRCh37 (hg19) VCF-style: chr1-45478840-T-A.
Other names: short protein forms F56I.
Identifiers: ClinVar variation 2007035 (VCV002007035.4), dbSNP rs1024683308, ClinGen allele CA340116655.
Genomic context (GRCh38, chr1:45,013,168, plus strand): 5'-CTGAGCCCTGTCTTCCCTCTGTATGCAGAGTTTAGGGAAACCCGGGCTGCCCAGGACTTT[T>A]TCAGCACGTGTCGCTCTCCTGAGGCCTGCTGTGAACTGACTCTGCAGGTGAGGGGTCCAC-3'
Protein context (NP_000365.3, residues 46-66): FRETRAAQDF[Phe56Ile]STCRSPEACC

ClinVar aggregate classification (germline): Uncertain significance (1 of 4 stars; one submission).

Submission:

Labcorp Genetics (formerly Invitae), Labcorp
Classification: Uncertain significance. Last evaluated: 2021-11-27. Review status: criteria provided, single submitter. Criteria: Invitae Variant Classification Sherloc (09022015). Collection method: clinical testing. Allele origin: germline.
Comment: Algorithms developed to predict the effect of missense changes on protein structure and function are either unavailable or do not agree on the potential impact of this missense change (SIFT: "Deleterious"; PolyPhen-2: "Probably Damaging"; Align-GVGD: "Class C15"). This sequence change replaces phenylalanine, which is neutral and non-polar, with isoleucine, which is neutral and non-polar, at codon 56 of the UROD protein (p.Phe56Ile). This variant is not present in population databases (gnomAD no frequency). This variant has not been reported in the literature in individuals affected with UROD-related conditions. In summary, the available evidence is currently insufficient to determine the role of this variant in disease. Therefore, it has been classified as a Variant of Uncertain Significance.